The following is an entry in ClinVar:

NM_015488.5(PNKD):c.323A>G (p.His108Arg)

Genes: CATIP-AS2 (CATIP antisense RNA 2; minus strand), PNKD (PNKD metallo-beta-lactamase domain containing; plus strand). Cytogenetic location: 2q35.
Variant type: single nucleotide variant.
Coding change: c.323A>G on transcript NM_015488.5 (MANE Select); coding-DNA position 323, A replaced by G.
Protein change: p.His108Arg; replaces histidine 108 with arginine.
Molecular consequence: missense variant.
Genome position (GRCh38, 1-based): chr2:218,339,869, A>G. VCF-style: chr2-218339869-A-G. GRCh37 (hg19) VCF-style: chr2-219204592-A-G.
Other names: c.251A>G, p.His84Arg (NM_022572.5); short protein forms H108R, H84R.
Identifiers: ClinVar variation 377052 (VCV000377052.19), dbSNP rs142536637, ClinGen allele CA2103895.

ClinVar aggregate classification (germline): Conflicting classifications of pathogenicity. Review status: criteria provided, conflicting classifications (1 of 4 stars). 4 submissions from 4 submitters: Uncertain significance (1); Benign (1); Likely benign (1). 1 of the submissions does not count toward it. Last evaluated 2026-01-28.

Conditions:
PNKD-related disorder. Also called: PNKD-related condition.
Paroxysmal nonkinesigenic dyskinesia. Also called: Paroxysmal non-kinesigenic dyskinesia. Identifiers: Orphanet 98810, MedGen C1869117, MONDO:0700088.
Paroxysmal nonkinesigenic dyskinesia 1 (PNKD1). Also called: DYSTONIA 8; MOUNT-REBACK SYNDROME; Familial Paroxysmal Nonkinesigenic Dyskinesia; PxMD-PNKD; Nonkinesigenic choreoathetosis; Familial paroxysmal choreoathetosis. Identifiers: Orphanet 98810, MedGen C4551506, MONDO:0700089, OMIM 118800, MONDO:0007326.

Allele frequency attached by ClinVar (database versions not stated): 1000 Genomes Project 30x 0.00016; gnomAD 0.00017 and 0.00019; 1000 Genomes Project 0.00020; ExAC 0.00020; gnomAD exomes 0.00020 and 0.00034; TOPMed 0.00022; ESP Exome Variant Server 0.00031.
gnomAD v4.1: 525 of 1,603,898 alleles (0.033%); highest among the groups gnomAD compares: Non-Finnish European, 0.042%; no homozygotes.

Submissions (4):

Labcorp Genetics (formerly Invitae), Labcorp
Classification: Likely benign for Paroxysmal nonkinesigenic dyskinesia. Last evaluated: 2026-01-28. Review status: criteria provided, single submitter. Criteria: Invitae Variant Classification Sherloc (09022015). Collection method: clinical testing. Allele origin: germline.

Illumina Laboratory Services, Illumina
Classification: Benign for Paroxysmal nonkinesigenic dyskinesia 1. Last evaluated: 2018-01-13. Review status: criteria provided, single submitter. Criteria: ICSL Variant Classification Criteria 13 December 2019. Collection method: clinical testing. Allele origin: germline.
Comment: This variant was observed in the ICSL laboratory as part of a predisposition screen in an ostensibly healthy population. It had not been previously curated by ICSL or reported in the Human Gene Mutation Database (HGMD: prior to June 1st, 2018), and was therefore a candidate for classification through an automated scoring system. Utilizing variant allele frequency, disease prevalence and penetrance estimates, and inheritance mode, an automated score was calculated to assess if this variant is too frequent to cause the disease. Based on the score and internal cut-off values, a variant classified as benign is not then subjected to further curation. The score for this variant resulted in a classification of benign for this disease.

Center for Pediatric Genomic Medicine, Children's Mercy Hospital and Clinics
Classification: Uncertain significance. Last evaluated: 2016-09-22. Review status: criteria provided, single submitter. Criteria: ACMG Guidelines, 2015. Collection method: clinical testing. Allele origin: germline.
ClinVar note: Converted during submission from Uncertain Significance to Uncertain significance.

PreventionGenetics, part of Exact Sciences
Classification: Uncertain significance for PNKD-related condition. Last evaluated: 2024-01-23. Review status: no assertion criteria provided. Collection method: clinical testing. Allele origin: germline. Not counted in ClinVar's aggregate classification.
Comment: The PNKD c.323A>G variant is predicted to result in the amino acid substitution p.His108Arg. To our knowledge, this variant has not been reported in the literature. This variant is reported in 0.038% of alleles in individuals of European (Non-Finnish) descent in gnomAD. Although we suspect that this variant may be benign, at this time, the clinical significance of this variant is uncertain due to the absence of conclusive functional and genetic evidence.